The following is an entry in ClinVar:

ClinVar aggregate classification (germline): Uncertain significance (1 of 4 stars; one submission).

Conditions:
Glycine encephalopathy. Also called: Non-ketotic hyperglycinemia; Nonketotic hyperglycinemia. Identifiers: Orphanet 407, MedGen C0751748, MONDO:0011612, HP:0008288.

gnomAD v4.1: 1 of 1,612,886 alleles (0.000062%); highest among the groups gnomAD compares: Non-Finnish European, 0.000085%; no homozygotes.

Submission:

Labcorp Genetics (formerly Invitae), Labcorp
Classification: Uncertain significance for Glycine encephalopathy. Last evaluated: 2022-08-09. Review status: criteria provided, single submitter. Criteria: Invitae Variant Classification Sherloc (09022015). Collection method: clinical testing. Allele origin: germline.
Comment: This variant has not been reported in the literature in individuals affected with GLDC-related conditions. In summary, the available evidence is currently insufficient to determine the role of this variant in disease. Therefore, it has been classified as a Variant of Uncertain Significance. Advanced modeling of protein sequence and biophysical properties (such as structural, functional, and spatial information, amino acid conservation, physicochemical variation, residue mobility, and thermodynamic stability) performed at Invitae indicates that this missense variant is expected to disrupt GLDC protein function. This variant is not present in population databases (gnomAD no frequency). This sequence change replaces alanine, which is neutral and non-polar, with threonine, which is neutral and polar, at codon 829 of the GLDC protein (p.Ala829Thr).

NM_000170.3(GLDC):c.2485G>A (p.Ala829Thr)

Gene: GLDC (glycine decarboxylase; minus strand). Cytogenetic location: 9p24.1.
Variant type: single nucleotide variant.
Coding change: c.2485G>A on transcript NM_000170.3 (MANE Select); coding-DNA position 2485, G replaced by A.
Protein change: p.Ala829Thr; replaces alanine 829 with threonine.
Molecular consequence: missense variant.
Genome position (GRCh38, 1-based): chr9:6,550,887, C>T on the plus strand (G>A on the coding strand, the complement: GLDC is on the minus strand). VCF-style: chr9-6550887-C-T. GRCh37 (hg19) VCF-style: chr9-6550887-C-T.
Other names: short protein forms A829T.
Identifiers: ClinVar variation 2142320 (VCV002142320.4), dbSNP rs1817498865, ClinGen allele CA372876447.
Genomic context (GRCh38, chr9:6,550,887, plus strand): 5'-TGTAGTGTGTTTCTAATCGCTTGGCCATGTAGTTGGCATTTAATATCGCAGTTTCCGTGG[C>T]TTGTTTAAGACCCTTGCCTCCCATCATCTGCAACAAAGGGAAAAAGAGCCATTAGCCATT-3'
Protein context (NP_000161.2, residues 819-839): KMMGGKGLKQ[Ala829Thr]TETAILNANY